The following is an entry in ClinVar:

NM_152564.5(VPS13B):c.7365del (p.Cys2455fs)

Gene: VPS13B (vacuolar protein sorting 13 homolog B; plus strand). Cytogenetic location: 8q22.2.
Variant type: Deletion.
Coding change: c.7365del on transcript NM_152564.5 (MANE Select); coding-DNA position 7365, one base deleted (C; older notation c.7365delC).
Protein change: p.Cys2455fs; shifts the reading frame from cysteine 2455.
Molecular consequence: frameshift variant.
Genome position (GRCh38, 1-based): chr8:99,776,892, C deleted. VCF-style (leftmost placement, unchanged base first): chr8-99776891-GC-G. GRCh37 (hg19) VCF-style: chr8-100789119-GC-G.
Other names: c.7440del, p.Cys2480fs (NM_017890.5); c.7365del (NM_152564.4); short protein forms C2455fs, C2480fs.
Identifiers: ClinVar variation 974865 (VCV000974865.3), dbSNP rs1811766430, ClinGen allele CA1139660680.

ClinVar aggregate classification (germline): Pathogenic/Likely pathogenic. Review status: criteria provided, multiple submitters, no conflicts (2 of 4 stars). 3 submissions from 3 submitters: Pathogenic (1); Likely pathogenic (2). Last evaluated 2024-12-17.

Conditions:
Cohen syndrome (COH1). Also called: Cutis verticis gyrata, retinitis pigmentosa, and sensorineural deafness; PEPPER SYNDROME. Identifiers: Orphanet 193, MedGen C0265223, MONDO:0008999, OMIM 216550.

Submissions (3):

Palindrome, Gene Kavoshgaran Aria
Classification: Pathogenic for Cohen syndrome. Last evaluated: 2024-12-17. Review status: criteria provided, single submitter. Criteria: ACMG Guidelines, 2015. Collection method: clinical testing. Allele origin: germline. Inheritance: Autosomal recessive inheritance. Affected: yes. Observed: 1 homozygote.

Dubai Health Genomic Medicine Center, Dubai Health
Classification: Likely pathogenic for Cohen syndrome. Last evaluated: 2024-10-04. Review status: criteria provided, single submitter. Criteria: ACMG Guidelines, 2015. Collection method: research. Allele origin: germline. Affected: yes.
Comment: PVS1,PM2

CENTOGENE GmbH and LLC - Guiding Precision Medicine
Classification: Likely pathogenic for Cohen syndrome. Review status: criteria provided, single submitter. Criteria: ACMG Guidelines, 2015. Collection method: clinical testing. Allele origin: germline. Affected: yes.

Literature cited by the submitters: PubMed 32860008 (cited by CENTOGENE GmbH and LLC - Guiding Precision Medicine).